The following is an entry in ClinVar:

NC_000017.11:g.8173598C>T

Genes: SNORD118 (small nucleolar RNA, C/D box 118; minus strand), TMEM107 (transmembrane protein 107; minus strand). Cytogenetic location: 17p13.1.
Variant type: single nucleotide variant.
Molecular consequence: 3 prime UTR variant (on NM_183065.4). On other transcripts: non-coding transcript variant (1).
Genome position: GRCh38 VCF-style: chr17-8173598-C-T. GRCh37 (hg19) VCF-style: chr17-8076916-C-T.
Other names: c.*605G>A (NM_001351278.2, NM_001351279.2, NM_001351280.2 and 2 more transcripts).
Identifiers: ClinVar variation 1278140 (VCV001278140.4), dbSNP rs11650713, ClinGen allele CA8370878.

ClinVar aggregate classification (germline): Benign/Likely benign. Review status: criteria provided, multiple submitters, no conflicts (2 of 4 stars). 4 submissions from 4 submitters: Benign (3); Likely benign (1). Last evaluated 2024-12-02.

Conditions:
SNORD118-related condition.

Allele frequency attached by ClinVar (database versions not stated): 1000 Genomes Project 0.58666; 1000 Genomes Project 30x 0.58901; TOPMed 0.61490.

Submissions (4):

PreventionGenetics, part of Exact Sciences
Classification: Benign for SNORD118-related condition. Last evaluated: 2024-12-02. Review status: criteria provided, single submitter. Criteria: ACMG Guidelines, 2015. Collection method: clinical testing. Allele origin: germline.
Comment: This variant is classified as benign based on ACMG/AMP sequence variant interpretation guidelines (Richards et al. 2015 PMID: 25741868, with internal and published modifications).

Blueprint Genetics
Classification: Likely benign. Last evaluated: 2024-11-28. Review status: criteria provided, single submitter. Criteria: ACMG Guidelines, 2015. Collection method: clinical testing. Allele origin: germline.

GeneDx
Classification: Benign. Last evaluated: 2020-08-19. Review status: criteria provided, single submitter. Criteria: GeneDx Variant Classification Process June 2021. Collection method: clinical testing. Allele origin: germline. Affected: yes.

Breakthrough Genomics
Classification: Benign. Review status: criteria provided, single submitter. Criteria: ACMG Guidelines, 2015. Collection method: not provided. Allele origin: germline. Inheritance: Autosomal recessive inheritance. Affected: yes.